The following is an entry in ClinVar:

ClinVar aggregate classification (germline): Pathogenic/Likely pathogenic. Review status: criteria provided, multiple submitters, no conflicts (2 of 4 stars). 3 submissions from 3 submitters: Pathogenic (2); Likely pathogenic (1). Last evaluated 2025-07-23.

Conditions:
Hereditary cancer-predisposing syndrome. Also called: Tumor predisposition; Hereditary neoplastic syndrome; Neoplastic Syndromes, Hereditary; Hereditary Cancer Syndrome. Identifiers: Orphanet 140162, MedGen C0027672, MeSH D009386, MONDO:0015356.
BAP1-related tumor predisposition syndrome (TPDS1). Also called: TUMOR PREDISPOSITION SYNDROME 1; Tumor susceptibility linked to germline BAP1 mutations; BAP1 tumor predisposition syndrome; COMMON Syndrome. Identifiers: Orphanet 289539, MedGen C3280492, MONDO:0013692, OMIM 614327.

Submissions (3):

Ambry Genetics
Classification: Likely pathogenic for Hereditary cancer-predisposing syndrome. Last evaluated: 2025-07-23. Review status: criteria provided, single submitter. Criteria: Ambry Variant Classification Scheme 2023. Collection method: clinical testing. Allele origin: germline.
Comment: The c.122+1G>T intronic variant results from a G to T substitution one nucleotide after coding exon 3 of the BAP1 gene. Alterations that disrupt the canonical splice site are expected to cause aberrant splicing, resulting in an abnormal protein or a transcript that is subject to nonsense-mediated mRNA decay. In silico splice site analysis predicts that this alteration will weaken the native splice donor site and may result in the creation or strengthening of a novel splice donor site. RNA studies have demonstrated that this alteration results in abnormal splicing in the set of samples tested (Ambry internal data). Other variant(s) impacting the same donor site (c.122+1G>C) have been identified in individual(s) with features consistent with BAP1-related tumor predisposition syndrome (Rao R et al. Retin Cases Brief Rep;12:1-4; Ewens KG et al. BMC Cancer, 2018 Nov;18:1172; Chau C et al. Cancers (Basel), 2019 Aug;11:). This variant is considered to be rare based on population cohorts in the Genome Aggregation Database (gnomAD). Based on the majority of available evidence to date, this variant is likely to be pathogenic.

Labcorp Genetics (formerly Invitae), Labcorp
Classification: Pathogenic for BAP1-related tumor predisposition syndrome. Last evaluated: 2025-01-26. Review status: criteria provided, single submitter. Criteria: Invitae Variant Classification Sherloc (09022015). Collection method: clinical testing. Allele origin: germline.
Comment: This sequence change affects a donor splice site in intron 3 of the BAP1 gene. It is expected to disrupt RNA splicing. Variants that disrupt the donor or acceptor splice site typically lead to a loss of protein function (PMID: 16199547), and loss-of-function variants in BAP1 are known to be pathogenic (PMID: 21874000, 23684012). This variant is not present in population databases (gnomAD no frequency). Disruption of this splice site has been observed in individual(s) with mesothelioma, ocular melanoma, melanoma, and clear cell renal cancer (PMID: 30414346, 30477459, 30975761; internal data). It has also been observed to segregate with disease in related individuals. ClinVar contains an entry for this variant (Variation ID: 1074027). Algorithms developed to predict the effect of sequence changes on RNA splicing suggest that this variant may disrupt the consensus splice site. For these reasons, this variant has been classified as Pathogenic.

Institute for Genomic Medicine (IGM) Clinical Laboratory, Nationwide Children's Hospital
Classification: Pathogenic for BAP1-related tumor predisposition syndrome. Last evaluated: 2024-11-13. Review status: criteria provided, single submitter. Criteria: ACMG Guidelines, 2015. Collection method: clinical testing. Allele origin: germline.
Comment: This variant is predicted to result in loss of function through nonsense-mediated decay of the encoded transcript or premature truncation of the encoded protein in a gene in which loss of function is a known mechanism of disease (ACMG/AMP: PVS1; PMIDs:30477459, 21874000, 23684012, 30975761). This variant has been reported at an elevated frequency in affected individuals/in multiple affected individuals in the literature (ACMG/AMP: PS4_Moderate; PMIDs:30975761, 30414346, 30477459). This variant is absent from or present at an exceedingly low frequency in gnomAD, a large-scale control population database (ACMG/AMP: PM2).

Literature cited by the submitters: PubMed 16199547 (cited by Labcorp Genetics (formerly Invitae), Labcorp); PubMed 21874000 (cited by Labcorp Genetics (formerly Invitae), Labcorp and Institute for Genomic Medicine (IGM) Clinical Laboratory, Nationwide Children's Hospital); PubMed 23684012 (cited by Labcorp Genetics (formerly Invitae), Labcorp and Institute for Genomic Medicine (IGM) Clinical Laboratory, Nationwide Children's Hospital); PubMed 30414346 (cited by Labcorp Genetics (formerly Invitae), Labcorp and Institute for Genomic Medicine (IGM) Clinical Laboratory, Nationwide Children's Hospital); PubMed 30477459 (cited by Labcorp Genetics (formerly Invitae), Labcorp and Institute for Genomic Medicine (IGM) Clinical Laboratory, Nationwide Children's Hospital); PubMed 30975761 (cited by Labcorp Genetics (formerly Invitae), Labcorp and Institute for Genomic Medicine (IGM) Clinical Laboratory, Nationwide Children's Hospital).

NM_004656.4(BAP1):c.122+1G>T

Gene: BAP1 (BRCA1 associated deubiquitinase 1; minus strand). Cytogenetic location: 3p21.1.
Variant type: single nucleotide variant.
Coding change: c.122+1G>T on transcript NM_004656.4 (MANE Select); the canonical splice donor site of the intron after coding-DNA position 122, G replaced by T.
Molecular consequence: splice donor variant.
Genome position (GRCh38, 1-based): chr3:52,409,553, C>A on the plus strand (G>T on the coding strand, the complement: BAP1 is on the minus strand). VCF-style: chr3-52409553-C-A. GRCh37 (hg19) VCF-style: chr3-52443569-C-A.
Other names: c.122+1G>T (NM_004656.2, NM_001410772.1).
Identifiers: ClinVar variation 1074027 (VCV001074027.6), dbSNP rs1578230334, ClinGen allele CA353114460.